The following is an entry in ClinVar:

ClinVar aggregate classification (germline): Uncertain significance (1 of 4 stars; one submission).

Conditions:
Primary ciliary dyskinesia. Also called: Ciliary dyskinesia. Identifiers: Orphanet 244, MedGen C0008780, MONDO:0016575, HP:0012265.

gnomAD v4.1: 1 of 1,613,646 alleles (0.000062%); highest among the groups gnomAD compares: Non-Finnish European, 0.000085%; no homozygotes.

Submission:

Labcorp Genetics (formerly Invitae), Labcorp
Classification: Uncertain significance for Primary ciliary dyskinesia. Last evaluated: 2018-06-23. Review status: criteria provided, single submitter. Criteria: Invitae Variant Classification Sherloc (09022015). Collection method: clinical testing. Allele origin: germline.
Comment: This variant is not present in population databases (ExAC no frequency). This variant has not been reported in the literature in individuals with CCDC40-related disease. Algorithms developed to predict the effect of missense changes on protein structure and function output the following: SIFT: "Tolerated"; PolyPhen-2: "Benign"; Align-GVGD: "Class C0". The leucine amino acid residue is found in multiple mammalian species, suggesting that this missense change does not adversely affect protein function. These predictions have not been confirmed by published functional studies and their clinical significance is uncertain. In summary, the available evidence is currently insufficient to determine the role of this variant in disease. Therefore, it has been classified as a Variant of Uncertain Significance. This sequence change replaces valine with leucine at codon 1084 of the CCDC40 protein (p.Val1084Leu). The valine residue is moderately conserved and there is a small physicochemical difference between valine and leucine.

NM_017950.4(CCDC40):c.3250G>C (p.Val1084Leu)

Gene: CCDC40 (coiled-coil domain 40 molecular ruler complex subunit; plus strand). Cytogenetic location: 17q25.3.
Variant type: single nucleotide variant.
Coding change: c.3250G>C on transcript NM_017950.4 (MANE Select); coding-DNA position 3250, G replaced by C.
Protein change: p.Val1084Leu; replaces valine 1084 with leucine.
Molecular consequence: missense variant.
Genome position (GRCh38, 1-based): chr17:80,099,596, G>C. VCF-style: chr17-80099596-G-C. GRCh37 (hg19) VCF-style: chr17-78073395-G-C.
Other names: short protein forms V1084L.
Identifiers: ClinVar variation 579936 (VCV000579936.9), dbSNP rs546314844, ClinGen allele CA401357436.